The following is an entry in ClinVar:

NM_174936.4(PCSK9):c.-140C>T

Gene: PCSK9 (proprotein convertase subtilisin/kexin type 9; plus strand). Cytogenetic location: 1p32.3.
Variant type: single nucleotide variant.
Coding change: c.-140C>T on transcript NM_174936.4 (MANE Select); 140 bases upstream of the start codon, C replaced by T.
Molecular consequence: 5 prime UTR variant.
Genome position (GRCh38, 1-based): chr1:55,039,698, C>T. VCF-style: chr1-55039698-C-T. GRCh37 (hg19) VCF-style: chr1-55505371-C-T.
Identifiers: ClinVar variation 876359 (VCV000876359.5), dbSNP rs574653669, ClinGen allele CA22791531.

ClinVar aggregate classification (germline): Conflicting classifications of pathogenicity. Review status: criteria provided, conflicting classifications (1 of 4 stars). 3 submissions from 2 submitters: Uncertain significance (1); Benign (1); Likely benign (1). Last evaluated 2023-11-09.

Conditions:
Familial hypercholesterolemia. Also called: Familial hypercholesterolemias; Familial hypercholesterolaemia. Identifiers: MedGen C0020445, MONDO:0005439.
Hypobetalipoproteinemia. Identifiers: Orphanet 31154, MedGen C0020597, MONDO:0017774.
Hypercholesterolemia, autosomal dominant, 3 (FHCL3). Also called: PCSK9-Related Familial Hypercholesterolemia, Autosomal Dominant; Familial Hypercholesterolemia, Autosomal Dominant, 3; Familial hypercholesterolemia 3. Identifiers: MedGen C1863551, MONDO:0011369, OMIM 603776.

Allele frequency attached by ClinVar (database versions not stated): gnomAD 0.00004 and 0.00023; TOPMed 0.00005; 1000 Genomes Project 0.00120; 1000 Genomes Project 30x 0.00125.
gnomAD v4.1: 429 of 1,006,036 alleles (0.043%); highest among the groups gnomAD compares: South Asian, 0.64%; 5 homozygotes.

Submissions (3):

GENinCode PLC
Classification: Benign for Familial hypercholesterolemia. Last evaluated: 2023-11-09. Review status: criteria provided, single submitter. Criteria: ACMG Guidelines, 2015. Collection method: clinical testing. Allele origin: germline.
Comment: The PCSK9 c.-140C>T variant has a GrpMax filtering allele frequency in gnomAD v4.1.1 of 0.005855 in the South Asian genetic ancestry group. This is higher than our in-house threshold (0.005 for BA1) and therefore meets this criterion and is classified as Benign.

Illumina Laboratory Services, Illumina
Classification: Uncertain significance for Hypobetalipoproteinemia. Last evaluated: 2017-04-28. Review status: criteria provided, single submitter. Criteria: ICSL Variant Classification Criteria 13 December 2019. Collection method: clinical testing. Allele origin: germline.

Illumina Laboratory Services, Illumina
Classification: Likely benign for Hypercholesterolemia, autosomal dominant, 3. Last evaluated: 2017-04-28. Review status: criteria provided, single submitter. Criteria: ICSL Variant Classification Criteria 13 December 2019. Collection method: clinical testing. Allele origin: germline.
Comment: This variant was observed as part of a predisposition screen in an ostensibly healthy population. A literature search was performed for the gene, cDNA change, and amino acid change (where applicable). No publications were found based on this search. Allele frequency data from public databases allowed determination this variant is unlikely to cause disease. Therefore, this variant is classified as likely benign.